The following is an entry in ClinVar:

NM_004004.6(GJB2):c.260C>T (p.Pro87Leu)

Gene: GJB2 (gap junction protein beta 2; minus strand). Cytogenetic location: 13q12.11.
Variant type: single nucleotide variant.
Coding change: c.260C>T on transcript NM_004004.6 (MANE Select); coding-DNA position 260, C replaced by T.
Protein change: p.Pro87Leu; replaces proline 87 with leucine.
Molecular consequence: missense variant.
Genome position (GRCh38, 1-based): chr13:20,189,322, G>A on the plus strand (C>T on the coding strand, the complement: GJB2 is on the minus strand). VCF-style: chr13-20189322-G-A. GRCh37 (hg19) VCF-style: chr13-20763461-G-A.
Other names: short protein forms P87L.
Identifiers: ClinVar variation 438616 (VCV000438616.6), dbSNP rs1555341946, ClinGen allele CA387461520.

ClinVar aggregate classification (germline): Uncertain significance. Review status: criteria provided, multiple submitters, no conflicts (2 of 4 stars). 2 submissions from 2 submitters: Uncertain significance (2). Last evaluated 2021-09-17.

Conditions:
Autosomal recessive nonsyndromic hearing loss 1A (DFNB1A). Also called: Nonsyndromic Hearing Loss and Deafness, DFNB1; GJB6-Related DFNB 1 Nonsyndromic Hearing Loss and Deafness; Deafness, autosomal recessive 1A; Connexin 26 deafness; Deafness nonsyndromic, Connexin 26 linked; GJB2-Related Autosomal Recessive Nonsyndromic Hearing Loss. Identifiers: Orphanet 90636, MedGen C2673759, MONDO:0009076, OMIM 220290.

Submissions (2):

Labcorp Genetics (formerly Invitae), Labcorp
Classification: Uncertain significance. Last evaluated: 2021-09-17. Review status: criteria provided, single submitter. Criteria: Invitae Variant Classification Sherloc (09022015). Collection method: clinical testing. Allele origin: germline.
Comment: This sequence change replaces proline with leucine at codon 87 of the GJB2 protein (p.Pro87Leu). The proline residue is highly conserved and there is a moderate physicochemical difference between proline and leucine. This variant is not present in population databases (ExAC no frequency). This variant has not been reported in the literature in individuals affected with GJB2-related conditions. ClinVar contains an entry for this variant (Variation ID: 438616). Advanced modeling of protein sequence and biophysical properties (such as structural, functional, and spatial information, amino acid conservation, physicochemical variation, residue mobility, and thermodynamic stability) performed at Invitae indicates that this missense variant is expected to disrupt GJB2 protein function. Experimental studies have shown that this variant affects GJB2 function (PMID: 9393973, 20441744). In summary, the available evidence is currently insufficient to determine the role of this variant in disease. Therefore, it has been classified as a Variant of Uncertain Significance.

Genomic Diagnostic Laboratory, Division of Genomic Diagnostics, Children's Hospital of Philadelphia
Classification: Uncertain significance for Deafness, autosomal recessive 1A. Last evaluated: 2017-05-09. Review status: criteria provided, single submitter. Criteria: DGD Variant Analysis Guidelines. Collection method: clinical testing. Allele origin: germline. Affected: yes. Observed: 1 variant allele.

Literature cited by the submitters: PubMed 9393973 (cited by Labcorp Genetics (formerly Invitae), Labcorp); PubMed 20441744 (cited by Labcorp Genetics (formerly Invitae), Labcorp).